The following is an entry in ClinVar:

NM_001164508.2(NEB):c.9077A>G (p.Lys3026Arg)

Gene: NEB (nebulin; minus strand). Cytogenetic location: 2q23.3.
Variant type: single nucleotide variant.
Coding change: c.9077A>G on transcript NM_001164508.2 (MANE Select); coding-DNA position 9077, A replaced by G.
Protein change: p.Lys3026Arg; replaces lysine 3026 with arginine.
Molecular consequence: missense variant. On other transcripts: intron variant (1).
Genome position (GRCh38, 1-based): chr2:151,636,252, T>C on the plus strand (A>G on the coding strand, the complement: NEB is on the minus strand). VCF-style: chr2-151636252-T-C. GRCh37 (hg19) VCF-style: chr2-152492766-T-C.
Other names: c.9077A>G, p.Lys3026Arg (NM_001164507.2, NM_001271208.2); c.8853+3641A>G (NM_004543.5); short protein forms K3026R.
Identifiers: ClinVar variation 2202343 (VCV002202343.5), dbSNP rs907346350, ClinGen allele CA57660956.
Genomic context (GRCh38, chr2:151,636,252, plus strand): 5'-TTGATCACATACTCAGAATGGAATTGACAACTCACGTCACTGATGATGTCCCTGGAGGCC[T>C]TGGCCGCCACGATGGGGATGGCGTCGCTTCGCAAGTCATAGCCTTTCTTCTTTGCTTCTT-3'
Protein context (NP_001157980.2, residues 3016-3036): RSDAIPIVAA[Lys3026Arg]ASRDIISDYK

ClinVar aggregate classification (germline): Uncertain significance. Review status: criteria provided, multiple submitters, no conflicts (2 of 4 stars). 2 submissions from 2 submitters: Uncertain significance (2). Last evaluated 2024-07-24.

Conditions:
Nemaline myopathy 2 (NEM2). Also called: Nemaline myopathy 2, autosomal recessive. Identifiers: MedGen C1850569, MONDO:0009725, OMIM 256030.

Allele frequency attached by ClinVar (database versions not stated): gnomAD exomes below 0.00001; TOPMed 0.00002.
gnomAD v4.1: 3 of 1,610,066 alleles (0.00019%); highest among the groups gnomAD compares: Non-Finnish European, 0.00025%; no homozygotes.

Submissions (2):

Labcorp Genetics (formerly Invitae), Labcorp
Classification: Uncertain significance for Nemaline myopathy 2. Last evaluated: 2024-07-24. Review status: criteria provided, single submitter. Criteria: Invitae Variant Classification Sherloc (09022015). Collection method: clinical testing. Allele origin: germline.
Comment: This sequence change replaces lysine, which is basic and polar, with arginine, which is basic and polar, at codon 3026 of the NEB protein (p.Lys3026Arg). This variant is not present in population databases (gnomAD no frequency). This variant has not been reported in the literature in individuals affected with NEB-related conditions. ClinVar contains an entry for this variant (Variation ID: 2202343). Experimental studies and prediction algorithms are not available or were not evaluated, and the functional significance of this variant is currently unknown. In summary, the available evidence is currently insufficient to determine the role of this variant in disease. Therefore, it has been classified as a Variant of Uncertain Significance.

Revvity Omics, Revvity
Classification: Uncertain significance. Last evaluated: 2020-07-10. Review status: criteria provided, single submitter. Criteria: ACMG Guidelines, 2015. Collection method: clinical testing. Allele origin: germline.